The following is an entry in ClinVar:

ClinVar aggregate classification (germline): Uncertain significance. Review status: criteria provided, multiple submitters, no conflicts (2 of 4 stars). 2 submissions from 2 submitters: Uncertain significance (2). Last evaluated 2024-09-03.

Conditions:
Cardiovascular phenotype. Identifiers: MedGen CN230736.
Dilated cardiomyopathy 1Z (CMD1Z). Identifiers: Orphanet 154, MedGen C2678475, MONDO:0012745, OMIM 611879.
Hypertrophic cardiomyopathy 13. Also called: TNNC1-Related Familial Hypertrophic Cardiomyopathy. Identifiers: MedGen C2750472, MONDO:0013195, OMIM 613243.

Allele frequency attached by ClinVar (database versions not stated): gnomAD 0.00001; TOPMed 0.00002.
gnomAD v4.1: 18 of 1,613,818 alleles (0.0011%); highest among the groups gnomAD compares: East Asian, 0.0022%; no homozygotes.

Submissions (2):

Labcorp Genetics (formerly Invitae), Labcorp
Classification: Uncertain significance for Hypertrophic cardiomyopathy 13; Dilated cardiomyopathy 1Z. Last evaluated: 2024-09-03. Review status: criteria provided, single submitter. Criteria: Invitae Variant Classification Sherloc (09022015). Collection method: clinical testing. Allele origin: germline.
Comment: This sequence change replaces arginine, which is basic and polar, with histidine, which is basic and polar, at codon 102 of the TNNC1 protein (p.Arg102His). This variant is present in population databases (rs143020831, gnomAD 0.003%). This missense change has been observed in individual(s) with dilated cardiomyopathy (PMID: 36252119). ClinVar contains an entry for this variant (Variation ID: 1053525). An algorithm developed to predict the effect of missense changes on protein structure and function (PolyPhen-2) suggests that this variant is likely to be tolerated. In summary, the available evidence is currently insufficient to determine the role of this variant in disease. Therefore, it has been classified as a Variant of Uncertain Significance.

Ambry Genetics
Classification: Uncertain significance for Cardiovascular phenotype. Last evaluated: 2022-03-21. Review status: criteria provided, single submitter. Criteria: Ambry Variant Classification Scheme 2023. Collection method: clinical testing. Allele origin: germline.
Comment: The p.R102H variant (also known as c.305G>A), located in coding exon 4 of the TNNC1 gene, results from a G to A substitution at nucleotide position 305. The arginine at codon 102 is replaced by histidine, an amino acid with highly similar properties. This amino acid position is conserved. In addition, the in silico prediction for this alteration is inconclusive. Since supporting evidence is limited at this time, the clinical significance of this alteration remains unclear.

Literature cited by the submitters: PubMed 36252119 (cited by Labcorp Genetics (formerly Invitae), Labcorp).

NM_003280.3(TNNC1):c.305G>A (p.Arg102His)

Gene: TNNC1 (troponin C1, slow skeletal and cardiac type; minus strand). Cytogenetic location: 3p21.1.
Variant type: single nucleotide variant.
Coding change: c.305G>A on transcript NM_003280.3 (MANE Select); coding-DNA position 305, G replaced by A.
Protein change: p.Arg102His; replaces arginine 102 with histidine.
Molecular consequence: missense variant.
Genome position (GRCh38, 1-based): chr3:52,451,756, C>T on the plus strand (G>A on the coding strand, the complement: TNNC1 is on the minus strand). VCF-style: chr3-52451756-C-T. GRCh37 (hg19) VCF-style: chr3-52485772-C-T.
Other names: short protein forms R102H.
Identifiers: ClinVar variation 1053525 (VCV001053525.11), dbSNP rs143020831, ClinGen allele CA2438539.